The following is an entry in ClinVar:

NM_005633.4(SOS1):c.311C>A (p.Ser104Tyr)

Gene: SOS1 (SOS Ras/Rac guanine nucleotide exchange factor 1; minus strand). Cytogenetic location: 2p22.1.
Variant type: single nucleotide variant.
Coding change: c.311C>A on transcript NM_005633.4 (MANE Select); coding-DNA position 311, C replaced by A.
Protein change: p.Ser104Tyr; replaces serine 104 with tyrosine.
Molecular consequence: missense variant.
Genome position (GRCh38, 1-based): chr2:39,058,707, G>T on the plus strand (C>A on the coding strand, the complement: SOS1 is on the minus strand). VCF-style: chr2-39058707-G-T. GRCh37 (hg19) VCF-style: chr2-39285848-G-T.
Other names: c.290C>A, p.Ser97Tyr (NM_001382394.1); c.311C>A, p.Ser104Tyr (NM_001382395.1); short protein forms S104Y, S97Y.
Identifiers: ClinVar variation 2829275 (VCV002829275.3), dbSNP rs752017140, ClinGen allele CA346373848.

ClinVar aggregate classification (germline): Uncertain significance (1 of 4 stars; one submission).

Conditions:
RASopathy. Also called: rasopathies; Noonan spectrum disorder. Identifiers: Orphanet 536391, MedGen C5555857, MONDO:0021060.

Submission:

Labcorp Genetics (formerly Invitae), Labcorp
Classification: Uncertain significance for RASopathy. Last evaluated: 2024-01-29. Review status: criteria provided, single submitter. Criteria: Invitae Variant Classification Sherloc (09022015). Collection method: clinical testing. Allele origin: germline.
Comment: This sequence change replaces serine, which is neutral and polar, with tyrosine, which is neutral and polar, at codon 104 of the SOS1 protein (p.Ser104Tyr). This variant is not present in population databases (gnomAD no frequency). This variant has not been reported in the literature in individuals affected with SOS1-related conditions. Advanced modeling of protein sequence and biophysical properties (such as structural, functional, and spatial information, amino acid conservation, physicochemical variation, residue mobility, and thermodynamic stability) performed at Invitae indicates that this missense variant is not expected to disrupt SOS1 protein function with a negative predictive value of 95%. In summary, the available evidence is currently insufficient to determine the role of this variant in disease. Therefore, it has been classified as a Variant of Uncertain Significance.